The following is an entry in ClinVar:

NM_024675.4(PALB2):c.3492dup (p.Ser1165fs)

Gene: PALB2 (partner and localizer of BRCA2; minus strand). Cytogenetic location: 16p12.2.
Variant type: Duplication.
Coding change: c.3492dup on transcript NM_024675.4 (MANE Select); coding-DNA position 3492, one base duplicated (G; older notation c.3492dupG).
Protein change: p.Ser1165fs; shifts the reading frame from serine 1165.
Molecular consequence: frameshift variant. On other transcripts: 3 prime UTR variant (5).
Genome position (GRCh38, 1-based): chr16:23,603,528, C duplicated on the plus strand (G on the coding strand, the reverse complement: PALB2 is on the minus strand); the first of 2 consecutive C bases (chr16:23,603,528-23,603,529); duplicating either gives the same sequence. VCF-style (leftmost placement, unchanged base first): chr16-23603527-A-AC. GRCh37 (hg19) VCF-style: chr16-23614848-A-AC.
Other names: c.3432dup, p.Ser1145fs (NM_001407296.1); c.3420dup, p.Ser1141fs (NM_001407297.1); c.3330dup, p.Ser1111fs (NM_001407298.1); c.3255dup, p.Ser1086fs (NM_001407299.1); c.3213dup, p.Ser1072fs (NM_001407300.1); c.*127dup (NM_001407301.1, NM_001407302.1, NM_001407310.1 and 2 more transcripts); c.2607dup, p.Ser870fs (NM_001407304.1, NM_001407305.1, NM_001407306.1); c.2445dup, p.Ser816fs (NM_001407307.1); and 4 more; short protein forms S1145fs, S569fs, S1141fs, S1086fs, S1111fs, S343fs, S870fs, S1072fs.
Identifiers: ClinVar variation 4843738 (VCV004843738.1).

ClinVar aggregate classification (germline): Uncertain significance (1 of 4 stars; one submission).

Conditions:
Hereditary cancer-predisposing syndrome. Also called: Neoplastic Syndromes, Hereditary; Tumor predisposition; Hereditary Cancer Syndrome; Hereditary neoplastic syndrome. Identifiers: Orphanet 140162, MedGen C0027672, MeSH D009386, MONDO:0015356.

Submission:

Ambry Genetics
Classification: Uncertain significance for Hereditary cancer-predisposing syndrome. Last evaluated: 2026-01-07. Review status: criteria provided, single submitter. Criteria: Ambry Variant Classification Scheme 2023. Collection method: clinical testing. Allele origin: germline.
Comment: The c.3492dupG variant, located in coding exon 13 of the PALB2 gene, results from a duplication of G at nucleotide position 3492, causing a translational frameshift with a predicted alternate stop codon (p.S1165Vfs*25). This alteration occurs at the 3' terminus of the gene, is not expected to trigger nonsense-mediated mRNAdecay, and impacts the last 2 amino acids of the protein. The exact functional effect of this alteration is unknown. Based on the available evidence, the clinical significance of this variant remains unclear.